The following is an entry in ClinVar:

NM_000932.5(PLCB3):c.2632G>T (p.Ala878Ser)

Gene: PLCB3 (phospholipase C beta 3; plus strand). Cytogenetic location: 11q13.1.
Variant type: single nucleotide variant.
Coding change: c.2632G>T on transcript NM_000932.5 (MANE Select); coding-DNA position 2632, G replaced by T.
Protein change: p.Ala878Ser; replaces alanine 878 with serine.
Molecular consequence: missense variant.
Genome position (GRCh38, 1-based): chr11:64,264,092, G>T. VCF-style: chr11-64264092-G-T. GRCh37 (hg19) VCF-style: chr11-64031564-G-T.
Other names: c.2431G>T, p.Ala811Ser (NM_001184883.2); c.2632G>T, p.Ala878Ser (NM_001316314.3); c.2632G>T (NM_000932.4); short protein forms A878S, A811S.
Identifiers: ClinVar variation 1686865 (VCV001686865.3), dbSNP rs760695903, ClinGen allele CA6071845.

ClinVar aggregate classification (germline): Likely pathogenic. Review status: criteria provided, single submitter (1 of 4 stars). 2 submissions from 2 submitters: Likely pathogenic (1). 1 of the submissions does not count toward it. Last evaluated 2024-10-04.

Conditions:
Spondylometaphyseal dysplasia with corneal dystrophy. Identifiers: Orphanet 589435, MedGen C5394555, MONDO:0030074, OMIM 618961.

gnomAD v4.1: 27 of 1,546,550 alleles (0.0017%); highest among the groups gnomAD compares: Middle Eastern, 0.017%; no homozygotes.

Submissions (2):

Dubai Health Genomic Medicine Center, Dubai Health
Classification: Likely pathogenic for Spondylometaphyseal dysplasia with corneal dystrophy. Last evaluated: 2024-10-04. Review status: criteria provided, single submitter. Criteria: ACMG Guidelines, 2015. Collection method: research. Allele origin: germline. Affected: yes.
Comment: PS3,PM2,PP3,PM3(moderate)

OMIM
Classification: Pathogenic for SPONDYLOMETAPHYSEAL DYSPLASIA WITH CORNEAL DYSTROPHY (1 family). Last evaluated: 2025-10-30. Review status: no assertion criteria provided. Collection method: literature only. Allele origin: germline. Not counted in ClinVar's aggregate classification.

Literature cited by the submitters: PubMed 29122926 (cited by OMIM).